The following is an entry in ClinVar:

ClinVar aggregate classification (germline): Uncertain significance. Review status: criteria provided, multiple submitters, no conflicts (2 of 4 stars). 2 submissions from 2 submitters: Uncertain significance (2). Last evaluated 2025-08-14.

Conditions:
Colorectal cancer, hereditary nonpolyposis, type 7. Identifiers: Orphanet 144, MedGen C1858380, MONDO:0013725, OMIM 614385.

Allele frequency attached by ClinVar (database versions not stated): gnomAD exomes below 0.00001 and 0.00001; ExAC 0.00002; gnomAD 0.00003 and 0.00004; ESP Exome Variant Server 0.00008; TOPMed 0.00008.
gnomAD v4.1: 13 of 1,614,050 alleles (0.00081%); highest among the groups gnomAD compares: African/African-American, 0.016%; no homozygotes.

Submissions (2):

Ambry Genetics
Classification: Uncertain significance. Last evaluated: 2025-08-14. Review status: criteria provided, single submitter. Criteria: Ambry Variant Classification Scheme 2023. Collection method: clinical testing. Allele origin: germline.
Comment: The p.N150S variant (also known as c.449A>G), located in coding exon 1 of the MLH3 gene, results from an A to G substitution at nucleotide position 449. The asparagine at codon 150 is replaced by serine, an amino acid with highly similar properties. This amino acid position is well conserved in available vertebrate species. In addition, the in silico prediction for this alteration is inconclusive. Since supporting evidence is limited at this time, the clinical significance of this alteration remains unclear.

Labcorp Genetics (formerly Invitae), Labcorp
Classification: Uncertain significance for Colorectal cancer, hereditary nonpolyposis, type 7. Last evaluated: 2024-11-22. Review status: criteria provided, single submitter. Criteria: Invitae Variant Classification Sherloc (09022015). Collection method: clinical testing. Allele origin: germline.
Comment: This sequence change replaces asparagine, which is neutral and polar, with serine, which is neutral and polar, at codon 150 of the MLH3 protein (p.Asn150Ser). This variant is present in population databases (rs141079562, gnomAD 0.01%). This variant has not been reported in the literature in individuals affected with MLH3-related conditions. ClinVar contains an entry for this variant (Variation ID: 238251). An algorithm developed to predict the effect of missense changes on protein structure and function (PolyPhen-2) suggests that this variant is likely to be disruptive. In summary, the available evidence is currently insufficient to determine the role of this variant in disease. Therefore, it has been classified as a Variant of Uncertain Significance.

NM_001040108.2(MLH3):c.449A>G (p.Asn150Ser)

Gene: MLH3 (mutL homolog 3; minus strand). Cytogenetic location: 14q24.3.
Variant type: single nucleotide variant.
Coding change: c.449A>G on transcript NM_001040108.2 (MANE Select); coding-DNA position 449, A replaced by G.
Protein change: p.Asn150Ser; replaces asparagine 150 with serine.
Molecular consequence: missense variant.
Genome position (GRCh38, 1-based): chr14:75,049,207, T>C on the plus strand (A>G on the coding strand, the complement: MLH3 is on the minus strand). VCF-style: chr14-75049207-T-C. GRCh37 (hg19) VCF-style: chr14-75515910-T-C.
Other names: c.449A>G, p.Asn150Ser (NM_014381.3); short protein forms N150S.
Identifiers: ClinVar variation 238251 (VCV000238251.12), dbSNP rs141079562, ClinGen allele CA7276026.